The following is an entry in ClinVar:

NM_012281.3(KCND2):c.1797C>G (p.Ser599Arg)

Gene: KCND2 (potassium voltage-gated channel subfamily D member 2; plus strand). Cytogenetic location: 7q31.31.
Variant type: single nucleotide variant.
Coding change: c.1797C>G on transcript NM_012281.3 (MANE Select); coding-DNA position 1797, C replaced by G.
Protein change: p.Ser599Arg; replaces serine 599 with arginine.
Molecular consequence: missense variant.
Genome position (GRCh38, 1-based): chr7:120,747,762, C>G. VCF-style: chr7-120747762-C-G. GRCh37 (hg19) VCF-style: chr7-120387816-C-G.
Other names: short protein forms S599R.
Identifiers: ClinVar variation 2857957 (VCV002857957.3), dbSNP rs1292473915, ClinGen allele CA369136664.
Genomic context (GRCh38, chr7:120,747,762, plus strand): 5'-AATGGAAGAGTGTGTTAAACTAAACTGTGAACAACCTTATGTGACTACAGCAATAATAAG[C>G]ATCCCAACACCTCCAGTAACCACACCAGAAGGAGACGATAGGCCAGAATCCCCTGAGTAC-3'
Protein context (NP_036413.1, residues 589-609): EQPYVTTAII[Ser599Arg]IPTPPVTTPE

ClinVar aggregate classification (germline): Uncertain significance (1 of 4 stars; one submission).

Conditions:
Early Myoclonic Encephalopathy. Identifiers: MedGen C0270855.

Allele frequency attached by ClinVar (database versions not stated): gnomAD 0.00003; gnomAD exomes below 0.00001; TOPMed 0.00001.
gnomAD v4.1: 6 of 1,611,644 alleles (0.00037%); highest among the groups gnomAD compares: African/African-American, 0.008%; no homozygotes.

Submission:

Labcorp Genetics (formerly Invitae), Labcorp
Classification: Uncertain significance for Early Myoclonic Encephalopathy. Last evaluated: 2024-10-31. Review status: criteria provided, single submitter. Criteria: Invitae Variant Classification Sherloc (09022015). Collection method: clinical testing. Allele origin: germline.
Comment: This sequence change replaces serine, which is neutral and polar, with arginine, which is basic and polar, at codon 599 of the KCND2 protein (p.Ser599Arg). This variant is present in population databases (no rsID available, gnomAD 0.008%). This variant has not been reported in the literature in individuals affected with KCND2-related conditions. ClinVar contains an entry for this variant (Variation ID: 2857957). Invitae Evidence Modeling of protein sequence and biophysical properties (such as structural, functional, and spatial information, amino acid conservation, physicochemical variation, residue mobility, and thermodynamic stability) has been performed for this missense variant. However, the output from this modeling did not meet the statistical confidence thresholds required to predict the impact of this variant on KCND2 protein function. In summary, the available evidence is currently insufficient to determine the role of this variant in disease. Therefore, it has been classified as a Variant of Uncertain Significance.